The following is an entry in ClinVar:

NM_000143.4(FH):c.1306G>C (p.Val436Leu)

Gene: FH (fumarate hydratase; minus strand). Cytogenetic location: 1q43.
Variant type: single nucleotide variant.
Coding change: c.1306G>C on transcript NM_000143.4 (MANE Select); coding-DNA position 1306, G replaced by C.
Protein change: p.Val436Leu; replaces valine 436 with leucine.
Molecular consequence: missense variant.
Genome position (GRCh38, 1-based): chr1:241,500,521, C>G on the plus strand (G>C on the coding strand, the complement: FH is on the minus strand). VCF-style: chr1-241500521-C-G. GRCh37 (hg19) VCF-style: chr1-241663821-C-G.
Other names: short protein forms V436L.
Identifiers: ClinVar variation 1769531 (VCV001769531.2), dbSNP rs1324526971, ClinGen allele CA345436669.
Genomic context (GRCh38, chr1:241,500,521, plus strand): 5'-CCAACATTAGAGACTCATTCATCAGCTTGTTGATCCTTTCTGTATTGGCCTGGATTCCCA[C>G]CACGCAGTTTTCTGTAAAGGAAACTGAAGCATCCCCCAGCAGCCTGGCTGAGTGTAACAC-3'
Protein context (NP_000134.2, residues 426-446): ASVSFTENCV[Val436Leu]GIQANTERIN

ClinVar aggregate classification (germline): Uncertain significance (1 of 4 stars; one submission).

Conditions:
Hereditary cancer-predisposing syndrome. Also called: Hereditary Cancer Syndrome; Hereditary neoplastic syndrome; Neoplastic Syndromes, Hereditary; Tumor predisposition. Identifiers: Orphanet 140162, MedGen C0027672, MeSH D009386, MONDO:0015356.

Submission:

Ambry Genetics
Classification: Uncertain significance for Hereditary cancer-predisposing syndrome. Last evaluated: 2021-11-04. Review status: criteria provided, single submitter. Criteria: Ambry Variant Classification Scheme 2023. Collection method: clinical testing. Allele origin: germline.
Comment: The p.V436L variant (also known as c.1306G>C), located in coding exon 9 of the FH gene, results from a G to C substitution at nucleotide position 1306. The valine at codon 436 is replaced by leucine, an amino acid with highly similar properties. This amino acid position is well conserved in available vertebrate species. In addition, the in silico prediction for this alteration is inconclusive. Since supporting evidence is limited at this time, the clinical significance of this alteration remains unclear.